The following is an entry in ClinVar:

ClinVar aggregate classification (germline): Uncertain significance. Review status: criteria provided, multiple submitters, no conflicts (2 of 4 stars). 2 submissions from 2 submitters: Uncertain significance (2). Last evaluated 2024-10-25.

Allele frequency attached by ClinVar (database versions not stated): gnomAD 0.00004 and 0.00005; gnomAD exomes 0.00005 and 0.00008; TOPMed 0.00006; ExAC 0.00011; ESP Exome Variant Server 0.00016; 1000 Genomes Project 0.00020; 1000 Genomes Project 30x 0.00031.

Submissions (2):

Labcorp Genetics (formerly Invitae), Labcorp
Classification: Uncertain significance. Last evaluated: 2024-10-25. Review status: criteria provided, single submitter. Criteria: Invitae Variant Classification Sherloc (09022015). Collection method: clinical testing. Allele origin: germline.
Comment: This sequence change replaces arginine, which is basic and polar, with tryptophan, which is neutral and slightly polar, at codon 664 of the ITGAM protein (p.Arg664Trp). This variant is present in population databases (rs372150584, gnomAD 0.01%). This variant has not been reported in the literature in individuals affected with ITGAM-related conditions. ClinVar contains an entry for this variant (Variation ID: 1511047). An algorithm developed to predict the effect of missense changes on protein structure and function (PolyPhen-2) suggests that this variant is likely to be disruptive. Algorithms developed to predict the effect of sequence changes on RNA splicing suggest that this variant may disrupt the consensus splice site. In summary, the available evidence is currently insufficient to determine the role of this variant in disease. Therefore, it has been classified as a Variant of Uncertain Significance.

Ambry Genetics
Classification: Uncertain significance. Last evaluated: 2024-02-28. Review status: criteria provided, single submitter. Criteria: Ambry Variant Classification Scheme 2023. Collection method: clinical testing. Allele origin: germline.

NM_000632.4(ITGAM):c.1990C>T (p.Arg664Trp)

Gene: ITGAM (integrin subunit alpha M; plus strand). Cytogenetic location: 16p11.2.
Variant type: single nucleotide variant.
Coding change: c.1990C>T on transcript NM_000632.4 (MANE Select); coding-DNA position 1990, C replaced by T.
Protein change: p.Arg664Trp; replaces arginine 664 with tryptophan.
Molecular consequence: missense variant.
Genome position (GRCh38, 1-based): chr16:31,321,615, C>T. VCF-style: chr16-31321615-C-T. GRCh37 (hg19) VCF-style: chr16-31332936-C-T.
Other names: c.1990C>T (NM_000632.3); c.1993C>T, p.Arg665Trp (NM_001145808.2); short protein forms R665W, R664W.
Identifiers: ClinVar variation 1511047 (VCV001511047.9), dbSNP rs372150584, ClinGen allele CA8025698.